The following is an entry in ClinVar:

ClinVar aggregate classification (germline): Likely benign. Review status: criteria provided, multiple submitters, no conflicts (2 of 4 stars). 3 submissions from 3 submitters: Likely benign (3). Last evaluated 2025-07-28.

Conditions:
Charcot-Marie-Tooth disease dominant intermediate B (CMTDIB). Also called: CHARCOT-MARIE-TOOTH NEUROPATHY, DOMINANT INTERMEDIATE B; Charcot-Marie-Tooth disease dominant intermediate 1; CMT DI1; Charcot-Marie-Tooth disease dominant intermediate I. Identifiers: Orphanet 100044, Orphanet 228179, MedGen C1847902, MONDO:0011674, OMIM 606482.
Inborn genetic diseases. Identifiers: MedGen C0950123, MeSH D030342.

Allele frequency attached by ClinVar (database versions not stated): ExAC 0.00002; gnomAD 0.00003 and 0.00004; gnomAD exomes 0.00003; TOPMed 0.00003.
gnomAD v4.1: 104 of 1,613,962 alleles (0.0064%); highest among the groups gnomAD compares: Non-Finnish European, 0.0086%; no homozygotes.

Submissions (3):

Labcorp Genetics (formerly Invitae), Labcorp
Classification: Likely benign for Charcot-Marie-Tooth disease dominant intermediate B. Last evaluated: 2025-07-28. Review status: criteria provided, single submitter. Criteria: Invitae Variant Classification Sherloc (09022015). Collection method: clinical testing. Allele origin: germline.

Ambry Genetics
Classification: Likely benign for Inborn genetic diseases. Last evaluated: 2019-07-11. Review status: criteria provided, single submitter. Criteria: Ambry Variant Classification Scheme 2023. Collection method: clinical testing. Allele origin: germline.

GeneDx
Classification: Likely benign. Last evaluated: 2017-09-19. Review status: criteria provided, single submitter. Criteria: GeneDx Variant Classification (06012015). Collection method: clinical testing. Allele origin: germline. Affected: yes.
Comment: This variant is considered likely benign or benign based on one or more of the following criteria: it is a conservative change, it occurs at a poorly conserved position in the protein, it is predicted to be benign by multiple in silico algorithms, and/or has population frequency not consistent with disease.

NM_001005361.3(DNM2):c.1032C>T (p.Ile344=)

Gene: DNM2 (dynamin 2; plus strand). Cytogenetic location: 19p13.2.
Variant type: single nucleotide variant.
Coding change: c.1032C>T on transcript NM_001005361.3 (MANE Select); coding-DNA position 1032, C replaced by T.
Protein change: p.Ile344=; no amino-acid change (isoleucine 344 retained).
Molecular consequence: synonymous variant.
Genome position (GRCh38, 1-based): chr19:10,793,759, C>T. VCF-style: chr19-10793759-C-T. GRCh37 (hg19) VCF-style: chr19-10904435-C-T.
Other names: c.1032C>T, p.Ile344= (NM_001005360.3, NM_001005362.3, NM_001190716.2 and 1 more transcripts).
Identifiers: ClinVar variation 512066 (VCV000512066.11), dbSNP rs747050783, ClinGen allele CA9200971.